The following is an entry in ClinVar:

NM_001278064.2(GRM1):c.1174C>G (p.Arg392Gly)

Gene: GRM1 (glutamate metabotropic receptor 1; plus strand). Cytogenetic location: 6q24.3.
Variant type: single nucleotide variant.
Coding change: c.1174C>G on transcript NM_001278064.2 (MANE Select); coding-DNA position 1174, C replaced by G.
Protein change: p.Arg392Gly; replaces arginine 392 with glycine.
Molecular consequence: missense variant.
Genome position (GRCh38, 1-based): chr6:146,304,834, C>G. VCF-style: chr6-146304834-C-G. GRCh37 (hg19) VCF-style: chr6-146625970-C-G.
Other names: c.1174C>G, p.Arg392Gly (NM_001278065.2, NM_001278066.1, NM_001278067.1); short protein forms R392G.
Identifiers: ClinVar variation 3612786 (VCV003612786.2).

ClinVar aggregate classification (germline): Uncertain significance (1 of 4 stars; one submission).

Submission:

Labcorp Genetics (formerly Invitae), Labcorp
Classification: Uncertain significance. Last evaluated: 2024-10-23. Review status: criteria provided, single submitter. Criteria: Invitae Variant Classification Sherloc (09022015). Collection method: clinical testing. Allele origin: germline.
Comment: This sequence change replaces arginine, which is basic and polar, with glycine, which is neutral and non-polar, at codon 392 of the GRM1 protein (p.Arg392Gly). This variant is not present in population databases (gnomAD no frequency). This variant has not been reported in the literature in individuals affected with GRM1-related conditions. An algorithm developed to predict the effect of missense changes on protein structure and function (PolyPhen-2) suggests that this variant is likely to be tolerated. In summary, the available evidence is currently insufficient to determine the role of this variant in disease. Therefore, it has been classified as a Variant of Uncertain Significance.